The following is an entry in ClinVar:

ClinVar aggregate classification (germline): Pathogenic/Likely pathogenic. Review status: criteria provided, multiple submitters, no conflicts (2 of 4 stars). 2 submissions from 2 submitters: Pathogenic (1); Likely pathogenic (1). Last evaluated 2020-11-25.

Conditions:
TWIST1-related craniosynostosis (CRS1). Also called: CRANIOSYNOSTOSIS 1. Identifiers: Orphanet 63440, MedGen C4551902, MONDO:0007399, OMIM 123100. Inheritance: Heterogenous inheritance pattern.

Submissions (2):

Labcorp Genetics (formerly Invitae), Labcorp
Classification: Pathogenic for TWIST1-related craniosynostosis. Last evaluated: 2020-11-25. Review status: criteria provided, single submitter. Criteria: Invitae Variant Classification Sherloc (09022015). Collection method: clinical testing. Allele origin: germline.
Comment: This variant has not been reported in the literature in individuals with ERF-related conditions. ClinVar contains an entry for this variant (Variation ID: 423954). This variant is not present in population databases (ExAC no frequency). This sequence change creates a premature translational stop signal (p.Pro358Thrfs*20) in the ERF gene. While this is not anticipated to result in nonsense mediated decay, it is expected to disrupt the last 191 amino acid(s) of the ERF protein. This variant disrupts the C-terminus of the ERF protein. Other variant(s) that disrupt this region (p.Gln424*) have been determined to be pathogenic (PMID: 23354439, 30758909). This suggests that variants that disrupt this region of the protein are likely to be causative of disease. For these reasons, this variant has been classified as Pathogenic.

GeneDx
Classification: Likely pathogenic. Last evaluated: 2017-02-23. Review status: criteria provided, single submitter. Criteria: GeneDx Variant Classification (06012015). Collection method: clinical testing. Allele origin: germline. Affected: yes.
Comment: The c.1072_1073delCC variant in the ERF gene has not been reported previously as a pathogenic variant nor as a benign variant, to our knowledge. The c.1072_1073delCC variant causes a frameshift starting with codon Proline 358, changes this amino acid to a Threonine residue, and creates a premature Stop codon at position 20 of the new reading frame, denoted p.Pro358ThrfsX20. This variant is predicted to cause loss of normal protein function through protein truncation. The c.1072_1073delCC variant is not observed in large population cohorts (Lek et al., 2016; 1000 Genomes Consortium et al., 2015; Exome Variant Server). We interpret c.1072_1073delCC as a likely pathogenic variant.

Literature cited by the submitters: PubMed 23354439 (cited by Labcorp Genetics (formerly Invitae), Labcorp); PubMed 30758909 (cited by Labcorp Genetics (formerly Invitae), Labcorp).

NM_006494.4(ERF):c.1072_1073del (p.Pro358fs)

Gene: ERF (ETS2 repressor factor; minus strand). Cytogenetic location: 19q13.2.
Variant type: Deletion.
Coding change: c.1072_1073del on transcript NM_006494.4 (MANE Select); coding-DNA positions 1072 to 1073, 2 bases deleted (CC; older notation c.1072_1073delCC).
Protein change: p.Pro358fs; shifts the reading frame from proline 358.
Molecular consequence: frameshift variant.
Genome position (GRCh38, 1-based): chr19:42,249,039-42,249,040, GG deleted on the plus strand (CC on the coding strand, the reverse complement: ERF is on the minus strand); deleting any 2 consecutive bases within chr19:42,249,039-42,249,042 gives the same sequence; the c. name uses the placement nearest the transcript's 3' end. VCF-style (leftmost placement, unchanged base first): chr19-42249038-TGG-T. GRCh37 (hg19) VCF-style: chr19-42753190-TGG-T.
Other names: c.847_848del, p.Pro283fs (NM_001301035.2, NM_001308402.2, NM_001312656.2); short protein forms P358fs, P283fs.
Identifiers: ClinVar variation 423954 (VCV000423954.10), dbSNP rs1064796715, ClinGen allele CA16620859.